The following is an entry in ClinVar:

NM_001605.3(AARS1):c.593G>A (p.Arg198Gln)

Gene: AARS1 (alanyl-tRNA synthetase 1; minus strand). Cytogenetic location: 16q22.1.
Variant type: single nucleotide variant.
Coding change: c.593G>A on transcript NM_001605.3 (MANE Select); coding-DNA position 593, G replaced by A.
Protein change: p.Arg198Gln; replaces arginine 198 with glutamine.
Molecular consequence: missense variant.
Genome position (GRCh38, 1-based): chr16:70,271,859, C>T on the plus strand (G>A on the coding strand, the complement: AARS1 is on the minus strand). VCF-style: chr16-70271859-C-T. GRCh37 (hg19) VCF-style: chr16-70305762-C-T.
Other names: short protein forms R198Q.
Identifiers: ClinVar variation 2996182 (VCV002996182.3), dbSNP rs1391327326, ClinGen allele CA396566693.

ClinVar aggregate classification (germline): Uncertain significance (1 of 4 stars; one submission).

Conditions:
Charcot-Marie-Tooth disease type 2. Also called: Charcot-Marie-Tooth type 2. Identifiers: Orphanet 64746, MedGen C0270914, MONDO:0018993.

Submission:

Labcorp Genetics (formerly Invitae), Labcorp
Classification: Uncertain significance for Charcot-Marie-Tooth disease type 2. Last evaluated: 2023-03-08. Review status: criteria provided, single submitter. Criteria: Invitae Variant Classification Sherloc (09022015). Collection method: clinical testing. Allele origin: germline.
Comment: Advanced modeling of protein sequence and biophysical properties (such as structural, functional, and spatial information, amino acid conservation, physicochemical variation, residue mobility, and thermodynamic stability) has been performed at Invitae for this missense variant, however the output from this modeling did not meet the statistical confidence thresholds required to predict the impact of this variant on AARS protein function. This variant has not been reported in the literature in individuals affected with AARS-related conditions. The frequency data for this variant in the population databases is considered unreliable, as metrics indicate poor data quality at this position in the gnomAD database. This sequence change replaces arginine, which is basic and polar, with glutamine, which is neutral and polar, at codon 198 of the AARS protein (p.Arg198Gln). In summary, the available evidence is currently insufficient to determine the role of this variant in disease. Therefore, it has been classified as a Variant of Uncertain Significance.